The following is an entry in ClinVar:

ClinVar aggregate classification (germline): Uncertain significance (1 of 4 stars; one submission).

Allele frequency attached by ClinVar (database versions not stated): TOPMed below 0.00001.

Submission:

GeneDx
Classification: Uncertain significance. Last evaluated: 2023-01-18. Review status: criteria provided, single submitter. Criteria: GeneDx Variant Classification Process June 2021. Collection method: clinical testing. Allele origin: germline. Affected: yes.
Comment: Not observed at significant frequency in large population cohorts (gnomAD); In silico analysis supports that this missense variant does not alter protein structure/function; Has not been previously published as pathogenic or benign to our knowledge

NM_018117.12(WDR11):c.1952T>C (p.Ile651Thr)

Gene: WDR11 (WD repeat domain 11; plus strand). Cytogenetic location: 10q26.12.
Variant type: single nucleotide variant.
Coding change: c.1952T>C on transcript NM_018117.12 (MANE Select); coding-DNA position 1952, T replaced by C.
Protein change: p.Ile651Thr; replaces isoleucine 651 with threonine.
Molecular consequence: missense variant.
Genome position (GRCh38, 1-based): chr10:120,885,917, T>C. VCF-style: chr10-120885917-T-C. GRCh37 (hg19) VCF-style: chr10-122645429-T-C.
Other names: short protein forms I651T.
Identifiers: ClinVar variation 2573939 (VCV002573939.1), dbSNP rs1847200346, ClinGen allele CA378328280.
Genomic context (GRCh38, chr10:120,885,917, plus strand): 5'-AACTTGCAACTCGAGAGGCCATGGCCCGCCAGACCGTAGTCTCAGACACAGAGCTGAGTA[T>C]TGTTGAATCATCTGTGATCAGGTACAGTACAGTGTTTCTTGACACTGTCATTTGTGCCAT-3'
Protein context (NP_060587.8, residues 641-661): QTVVSDTELS[Ile651Thr]VESSVISLLQ